The following is an entry in ClinVar:

NM_001371986.1(UNC80):c.5477A>G (p.Gln1826Arg)

Gene: UNC80 (unc-80 subunit of NALCN channel complex; plus strand). Cytogenetic location: 2q34.
Variant type: single nucleotide variant.
Coding change: c.5477A>G on transcript NM_001371986.1 (MANE Select); coding-DNA position 5477, A replaced by G.
Protein change: p.Gln1826Arg; replaces glutamine 1826 with arginine.
Molecular consequence: missense variant.
Genome position (GRCh38, 1-based): chr2:209,921,633, A>G. VCF-style: chr2-209921633-A-G. GRCh37 (hg19) VCF-style: chr2-210786357-A-G.
Other names: c.5279A>G, p.Gln1760Arg (NM_032504.2); c.5264A>G, p.Gln1755Arg (NM_182587.4); short protein forms Q1760R, Q1826R, Q1755R.
Identifiers: ClinVar variation 1483999 (VCV001483999.8), dbSNP rs1308283554, ClinGen allele CA350762211.

ClinVar aggregate classification (germline): Uncertain significance (1 of 4 stars; one submission).

Allele frequency attached by ClinVar (database versions not stated): gnomAD exomes below 0.00001 and 0.00001.
gnomAD v4.1: 1 of 1,551,646 alleles (0.000064%); highest among the groups gnomAD compares: Admixed American, 0.002%; no homozygotes.

Submission:

Labcorp Genetics (formerly Invitae), Labcorp
Classification: Uncertain significance. Last evaluated: 2022-08-22. Review status: criteria provided, single submitter. Criteria: Invitae Variant Classification Sherloc (09022015). Collection method: clinical testing. Allele origin: germline.
Comment: ClinVar contains an entry for this variant (Variation ID: 1483999). This sequence change replaces glutamine, which is neutral and polar, with arginine, which is basic and polar, at codon 1760 of the UNC80 protein (p.Gln1760Arg). This variant is present in population databases (no rsID available, gnomAD 0.004%). This variant has not been reported in the literature in individuals affected with UNC80-related conditions. Algorithms developed to predict the effect of missense changes on protein structure and function are either unavailable or do not agree on the potential impact of this missense change (SIFT: "Not Available"; PolyPhen-2: "Possibly Damaging"; Align-GVGD: "Not Available"). In summary, the available evidence is currently insufficient to determine the role of this variant in disease. Therefore, it has been classified as a Variant of Uncertain Significance.